The following is an entry in ClinVar:

NM_032043.3(BRIP1):c.3620A>G (p.Asp1207Gly)

Gene: BRIP1 (BRCA1 interacting DNA helicase 1; minus strand). Cytogenetic location: 17q23.2.
Variant type: single nucleotide variant.
Coding change: c.3620A>G on transcript NM_032043.3 (MANE Select); coding-DNA position 3620, A replaced by G.
Protein change: p.Asp1207Gly; replaces aspartic acid 1207 with glycine.
Molecular consequence: missense variant.
Genome position (GRCh38, 1-based): chr17:61,683,426, T>C on the plus strand (A>G on the coding strand, the complement: BRIP1 is on the minus strand). VCF-style: chr17-61683426-T-C. GRCh37 (hg19) VCF-style: chr17-59760787-T-C.
Other names: short protein forms D1207G.
Identifiers: ClinVar variation 3993123 (VCV003993123.1).

ClinVar aggregate classification (germline): Uncertain significance (1 of 4 stars; one submission).

Conditions:
Hereditary cancer-predisposing syndrome. Also called: Tumor predisposition; Hereditary neoplastic syndrome; Neoplastic Syndromes, Hereditary; Hereditary Cancer Syndrome. Identifiers: Orphanet 140162, MedGen C0027672, MeSH D009386, MONDO:0015356.

Submission:

Ambry Genetics
Classification: Uncertain significance for Hereditary cancer-predisposing syndrome. Last evaluated: 2025-03-17. Review status: criteria provided, single submitter. Criteria: Ambry Variant Classification Scheme 2023. Collection method: clinical testing. Allele origin: germline.
Comment: The p.D1207G variant (also known as c.3620A>G), located in coding exon 19 of the BRIP1 gene, results from an A to G substitution at nucleotide position 3620. The aspartic acid at codon 1207 is replaced by glycine, an amino acid with similar properties. This amino acid position is conserved. In addition, this alteration is predicted to be tolerated by in silico analysis. Based on the available evidence, the clinical significance of this variant remains unclear.